The following is an entry in ClinVar:

NM_000368.5(TSC1):c.432A>G (p.Pro144=)

Gene: TSC1 (TSC complex subunit 1; minus strand). Cytogenetic location: 9q34.13.
Variant type: single nucleotide variant.
Coding change: c.432A>G on transcript NM_000368.5 (MANE Select); coding-DNA position 432, A replaced by G.
Protein change: p.Pro144=; no amino-acid change (proline 144 retained).
Molecular consequence: synonymous variant. On other transcripts: 5 prime UTR variant (5), non-coding transcript variant (5).
Genome position (GRCh38, 1-based): chr9:132,923,424, T>C on the plus strand (A>G on the coding strand, the complement: TSC1 is on the minus strand). VCF-style: chr9-132923424-T-C. GRCh37 (hg19) VCF-style: chr9-135798811-T-C.
Other names: c.432A>G, p.Pro144= (NM_001162426.2, NM_001406592.1, NM_001406593.1 and 16 more transcripts); c.279A>G, p.Pro93= (NM_001162427.2, NM_001406610.1, NM_001406611.1 and 2 more transcripts); c.69A>G, p.Pro23= (NM_001362177.2, NM_001406614.1, NM_001406615.1 and 10 more transcripts); c.-446A>G (NM_001406626.1, NM_001406627.1, NM_001406628.1); c.-588A>G (NM_001406629.1); c.-662A>G (NM_001406630.1).
Identifiers: ClinVar variation 4071189 (VCV004071189.1).

ClinVar aggregate classification (germline): Benign (1 of 4 stars; one submission).

Conditions:
Tuberous sclerosis 1 (TSC1). Identifiers: Orphanet 805, MedGen C1854465, MONDO:0008612, OMIM 191100.

Submission:

Myriad Genetics, Inc.
Classification: Benign for Tuberous sclerosis 1. Last evaluated: 2025-04-08. Review status: criteria provided, single submitter. Criteria: Myriad Autosomal Dominant, Autosomal Recessive and X-Linked Classification Criteria (2023). Collection method: clinical testing. Allele origin: unknown.
Comment: This variant is considered benign. This variant is a silent/synonymous amino acid change and it is not expected to impact splicing.